The following is an entry in ClinVar:

ClinVar aggregate classification (germline): Likely benign (1 of 4 stars; one submission).

gnomAD v4.1: 45 of 1,604,044 alleles (0.0028%); highest among the groups gnomAD compares: East Asian, 0.038%; no homozygotes.

Submission:

CeGaT Center for Human Genetics Tuebingen
Classification: Likely benign. Last evaluated: 2026-08-01. Review status: criteria provided, single submitter. Criteria: CeGaT Center For Human Genetics Tuebingen Variant Classification Criteria Version 2. Collection method: clinical testing. Allele origin: germline. Affected: yes. Observed: 1 variant allele.
Comment: KMT2E: PP3, BS2

NM_182931.3(KMT2E):c.1700T>C (p.Ile567Thr)

Gene: KMT2E (lysine methyltransferase 2E (inactive); plus strand). Cytogenetic location: 7q22.3.
Variant type: single nucleotide variant.
Coding change: c.1700T>C on transcript NM_182931.3 (MANE Select); coding-DNA position 1700, T replaced by C.
Protein change: p.Ile567Thr; replaces isoleucine 567 with threonine.
Molecular consequence: missense variant.
Genome position (GRCh38, 1-based): chr7:105,091,292, T>C. VCF-style: chr7-105091292-T-C. GRCh37 (hg19) VCF-style: chr7-104731739-T-C.
Other names: c.1700T>C, p.Ile567Thr (NM_001410908.1, NM_018682.4); short protein forms I567T.
Identifiers: ClinVar variation 5038591 (VCV005038591.1).